The following is an entry in ClinVar:

ClinVar aggregate classification (germline): Benign/Likely benign. Review status: criteria provided, multiple submitters, no conflicts (2 of 4 stars). 7 submissions from 7 submitters: Benign (3); Likely benign (3). 1 of the submissions does not count toward it. Last evaluated 2026-02-01.

Conditions:
MYH2-related disorder. Also called: MYH2-related condition.
Myopathy, proximal, and ophthalmoplegia (CMYO6). Also called: MYOPATHY WITH CONGENITAL JOINT CONTRACTURES, OPHTHALMOPLEGIA, AND RIMMED VACUOLES; INCLUSION BODY MYOPATHY 3, AUTOSOMAL DOMINANT; CONGENITAL MYOPATHY 6 WITH OPHTHALMOPLEGIA. Identifiers: Orphanet 363677, Orphanet 79091, MedGen C1854106, MONDO:0011577, OMIM 605637.

Allele frequency attached by ClinVar (database versions not stated): 1000 Genomes Project 30x 0.00344; 1000 Genomes Project 0.00379; gnomAD exomes 0.00063 and 0.00269; gnomAD 0.00085 and 0.00102; TOPMed 0.00162; ExAC 0.00218; ESP Exome Variant Server 0.00023.
gnomAD v4.1: 1,122 of 1,614,066 alleles (0.07%); highest among the groups gnomAD compares: East Asian, 1%; 10 homozygotes.

Submissions (7):

Labcorp Genetics (formerly Invitae), Labcorp
Classification: Benign for Myopathy, proximal, and ophthalmoplegia. Last evaluated: 2026-02-01. Review status: criteria provided, single submitter. Criteria: Invitae Variant Classification Sherloc (09022015). Collection method: clinical testing. Allele origin: germline.

CeGaT Center for Human Genetics Tuebingen
Classification: Likely benign. Last evaluated: 2025-03-01. Review status: criteria provided, single submitter. Criteria: CeGaT Center For Human Genetics Tuebingen Variant Classification Criteria Version 2. Collection method: clinical testing. Allele origin: germline. Affected: yes. Observed: 1 variant allele.
Comment: MYH2: BP4, BP7, BS1

Fulgent Genetics
Classification: Likely benign for Myopathy, proximal, and ophthalmoplegia. Last evaluated: 2022-01-13. Review status: criteria provided, single submitter. Criteria: ACMG Guidelines, 2015. Collection method: clinical testing. Allele origin: unknown.

Illumina Laboratory Services, Illumina
Classification: Benign for Myopathy, proximal, and ophthalmoplegia. Last evaluated: 2018-01-13. Review status: criteria provided, single submitter. Criteria: ICSL Variant Classification Criteria 13 December 2019. Collection method: clinical testing. Allele origin: germline.
Comment: This variant was observed in the ICSL laboratory as part of a predisposition screen in an ostensibly healthy population. It had not been previously curated by ICSL or reported in the Human Gene Mutation Database (HGMD: prior to June 1st, 2018), and was therefore a candidate for classification through an automated scoring system. Utilizing variant allele frequency, disease prevalence and penetrance estimates, and inheritance mode, an automated score was calculated to assess if this variant is too frequent to cause the disease. Based on the score and internal cut-off values, a variant classified as benign is not then subjected to further curation. The score for this variant resulted in a classification of benign for this disease.

Eurofins Ntd Llc (ga)
Classification: Benign. Last evaluated: 2015-02-13. Review status: criteria provided, single submitter. Criteria: EGL Classification Definitions 2015. Collection method: clinical testing. Allele origin: germline. Observed: 1 variant allele, 1 heterozygote.

Breakthrough Genomics
Classification: Likely benign. Review status: criteria provided, single submitter. Criteria: ACMG Guidelines, 2015. Collection method: not provided. Allele origin: germline. Inheritance: Autosomal dominant inheritance. Affected: yes.

PreventionGenetics, part of Exact Sciences
Classification: Benign for MYH2-related condition. Last evaluated: 2020-02-06. Review status: no assertion criteria provided. Collection method: clinical testing. Allele origin: germline. Not counted in ClinVar's aggregate classification.
Comment: This variant is classified as benign based on ACMG/AMP sequence variant interpretation guidelines (Richards et al. 2015 PMID: 25741868, with internal and published modifications).

NM_017534.6(MYH2):c.2106C>T (p.Asn702=)

Genes: MYH2 (myosin heavy chain 2; minus strand), MYHAS (myosin heavy chain gene cluster antisense RNA; plus strand). Cytogenetic location: 17p13.1.
Variant type: single nucleotide variant.
Coding change: c.2106C>T on transcript NM_017534.6 (MANE Select); coding-DNA position 2106, C replaced by T.
Protein change: p.Asn702=; no amino-acid change (asparagine 702 retained).
Molecular consequence: synonymous variant.
Genome position (GRCh38, 1-based): chr17:10,535,147, G>A on the plus strand (C>T on the coding strand, the complement: MYH2 is on the minus strand). VCF-style: chr17-10535147-G-A. GRCh37 (hg19) VCF-style: chr17-10438464-G-A.
Other names: c.2106C>T, p.Asn702= (NM_001100112.2).
Identifiers: ClinVar variation 194975 (VCV000194975.36), dbSNP rs145039915, ClinGen allele CA201465.